The following is an entry in ClinVar:

ClinVar aggregate classification (germline): Benign (1 of 4 stars; one submission).

Allele frequency attached by ClinVar (database versions not stated): gnomAD 0.70424; 1000 Genomes Project 0.73457; TOPMed 0.68317 and 0.67943.

Submission:

GeneDx
Classification: Benign. Last evaluated: 2018-06-14. Review status: criteria provided, single submitter. Criteria: GeneDx Variant Classification (06012015). Collection method: clinical testing. Allele origin: germline. Affected: yes.
Comment: This variant is considered likely benign or benign based on one or more of the following criteria: it is a conservative change, it occurs at a poorly conserved position in the protein, it is predicted to be benign by multiple in silico algorithms, and/or has population frequency not consistent with disease.

NM_004006.3(DMD):c.2804-282C>G

Gene: DMD (dystrophin; minus strand). Cytogenetic location: Xp21.1.
Variant type: single nucleotide variant.
Coding change: c.2804-282C>G on transcript NM_004006.3 (MANE Select); 282 bases into the intron before coding-DNA position 2804, C replaced by G.
Molecular consequence: intron variant.
Genome position (GRCh38, 1-based): chrX:32,472,591, G>C on the plus strand (C>G on the coding strand, the complement: DMD is on the minus strand). VCF-style: chrX-32472591-G-C. GRCh37 (hg19) VCF-style: chrX-32490708-G-C.
Other names: c.2780-282C>G (NM_000109.4); c.2792-282C>G (NM_004009.3); c.2435-282C>G (NM_004010.3).
Identifiers: ClinVar variation 680530 (VCV000680530.1), dbSNP rs228396, ClinGen allele CA15027282.
Genomic context (GRCh38, chrX:32,472,591, plus strand): 5'-TGTAAAATCTATATTGTTCAATTCGTTTTATAAGGTCAGGAAACAGAAAAACAGATAAGG[G>C]CAGGAAACAGAAAAACAGAGAAGCTAAGTAAATTGCCCAAGGTGATACAGATGGTATTTG-3'